The following is an entry in ClinVar:

NM_000543.5(SMPD1):c.564dup (p.Lys189fs)

Gene: SMPD1 (sphingomyelin phosphodiesterase 1; plus strand). Cytogenetic location: 11p15.4.
Variant type: Duplication.
Coding change: c.564dup on transcript NM_000543.5 (MANE Select); coding-DNA position 564, one base duplicated (C; older notation c.564dupC).
Protein change: p.Lys189fs; shifts the reading frame from lysine 189.
Molecular consequence: frameshift variant. On other transcripts: 5 prime UTR variant (1), non-coding transcript variant (1).
Genome position (GRCh38, 1-based): chr11:6,391,629, C duplicated; the last of 6 consecutive C bases (chr11:6,391,624-6,391,629); duplicating any one gives the same sequence. VCF-style (leftmost placement, unchanged base first): chr11-6391623-G-GC. GRCh37 (hg19) VCF-style: chr11-6412853-G-GC.
Other names: c.561dup, p.Lys188fs (NM_001007593.3); c.564dup, p.Lys189fs (NM_001318087.2, NM_001365135.2); c.-398dup (NM_001318088.2); c.564dupC (NM_000543.4); short protein forms K188fs, K189fs.
Identifiers: ClinVar variation 632992 (VCV000632992.7), dbSNP rs756366019, ClinGen allele CA5852626.
Genomic context (GRCh38, chr11:6,391,623, plus strand): 5'-CTGTGGGCACTGGGACATTTTCTCATCTTGGAACATCTCTTTGCCTACTGTGCCGAAGCC[G>GC]CCCCCCAAACCCCCTAGCCCCCCAGCCCCAGGTGCCCCTGTCAGCCGCATCCTCTTCCTC-3'

ClinVar aggregate classification (germline): Pathogenic/Likely pathogenic. Review status: criteria provided, multiple submitters, no conflicts (2 of 4 stars). 3 submissions from 3 submitters: Pathogenic (2); Likely pathogenic (1). Last evaluated 2023-01-26.

Conditions:
Acid sphingomyelinase deficiency. Identifiers: Orphanet 618899, MedGen C5243927, MONDO:0100464.
Niemann-Pick disease, type A. Also called: SPHINGOMYELIN LIPIDOSIS; SPHINGOMYELINASE DEFICIENCY; Infantile Neurovisceral ASMD (Niemann-Pick Disease Type A; NPD-A). Identifiers: Orphanet 77292, MedGen C0268242, MONDO:0009756, OMIM 257200. Disease mechanism: loss of function.
Niemann-Pick disease, type B. Also called: Chronic Visceral ASMD (Niemann-Pick Disease Type B; NPD-B). Identifiers: Orphanet 77293, MedGen C0268243, MONDO:0011871, OMIM 607616. Disease mechanism: loss of function.

Submissions (3):

Department of Pathology and Laboratory Medicine, Sinai Health System
Classification: Likely pathogenic for acid sphingomyelinase deficiency. Last evaluated: 2023-01-26. Review status: criteria provided, single submitter. Criteria: ACMG Guidelines, 2015. Collection method: research. Allele origin: germline.

Labcorp Genetics (formerly Invitae), Labcorp
Classification: Pathogenic for Niemann-Pick disease, type B; Niemann-Pick disease, type A. Last evaluated: 2022-04-11. Review status: criteria provided, single submitter. Criteria: Invitae Variant Classification Sherloc (09022015). Collection method: clinical testing. Allele origin: germline.
Comment: For these reasons, this variant has been classified as Pathogenic. ClinVar contains an entry for this variant (Variation ID: 632992). This premature translational stop signal has been observed in individual(s) with SMPD1-related conditions (PMID: 27338287). The frequency data for this variant in the population databases is considered unreliable, as metrics indicate poor data quality at this position in the gnomAD database. This sequence change creates a premature translational stop signal (p.Lys189Glnfs*4) in the SMPD1 gene. It is expected to result in an absent or disrupted protein product. Loss-of-function variants in SMPD1 are known to be pathogenic (PMID: 12369017, 15221801).

Women's Health and Genetics/Laboratory Corporation of America, LabCorp
Classification: Pathogenic. Last evaluated: 2017-09-12. Review status: criteria provided, single submitter. Criteria: LabCorp Variant Classification Summary - May 2015. Collection method: clinical testing. Allele origin: germline.
Comment: Variant summary: The SMPD1 c.564dupC (p.Lys189GlnfsX4) variant results in a premature termination codon, predicted to cause a truncated or absent SMPD1 protein due to nonsense mediated decay, which are commonly known mechanisms for disease. Truncations downstream of this position have been classified as likely pathogenic/pathogenic by our laboratory (e.g. c.573delT (p.Ser192fsX65), c.996delC (p.Phe333fsX52), and c.1785_1786delTT (p.Ala597fsX7))). This variant was found in 214/167462 control chromosomes at a frequency of 0.0012779, which does not exceed the estimated maximal expected allele frequency of a pathogenic SMPD1 variant (0.0022361) and was considered a low quality site (via gnomAD), therefore making this data less reliable. A publication, Ding_2016, reports the variant in a compound heterozygote individual dx with NPDA, while Ranganath_2016 and Pittis_2004 reports the variant in compound heterozygote individuals dx with NPDB. In an in vitro study, enzyme activity in transfected cells was non-detectable, compared to WT (Dardis_2005). In addition, a clinical diagnostic laboratory classified this variant as pathogenic. Taken together, this variant is classified as pathogenic.

Literature cited by the submitters: PubMed 27338287 (cited by Labcorp Genetics (formerly Invitae), Labcorp); PubMed 12369017 (cited by Labcorp Genetics (formerly Invitae), Labcorp); PubMed 15221801 (cited by Labcorp Genetics (formerly Invitae), Labcorp); PubMed 26851525 (cited by Women's Health and Genetics/Laboratory Corporation of America, LabCorp); PubMed 15241805 (cited by Women's Health and Genetics/Laboratory Corporation of America, LabCorp); PubMed 16010684 (cited by Women's Health and Genetics/Laboratory Corporation of America, LabCorp).